The following is an entry in ClinVar:

ClinVar aggregate classification (germline): Uncertain significance (1 of 4 stars; one submission).

Submission:

Mayo Clinic Laboratories, Mayo Clinic
Classification: Uncertain significance. Last evaluated: 2024-12-24. Review status: criteria provided, single submitter. Criteria: ACMG Guidelines, 2015. Collection method: clinical testing. Allele origin: germline. Observed: 1 variant allele.
Comment: BP4_moderate, PM1_supporting, PM2_supporting

NM_138272.3(MPIG6B):c.379A>C (p.Thr127Pro)

Gene: MPIG6B (megakaryocyte and platelet inhibitory receptor G6b; plus strand). Cytogenetic location: 6p21.33.
Variant type: single nucleotide variant.
Coding change: c.379A>C on transcript NM_138272.3 (MANE Select); coding-DNA position 379, A replaced by C.
Protein change: p.Thr127Pro; replaces threonine 127 with proline.
Molecular consequence: missense variant.
Genome position (GRCh38, 1-based): chr6:31,723,956, A>C. VCF-style: chr6-31723956-A-C. GRCh37 (hg19) VCF-style: chr6-31691733-A-C.
Other names: p.Thr127Pro; c.379A>C, p.Thr127Pro (NM_025260.4, NM_138273.3, NM_138274.3 and 2 more transcripts); short protein forms T127P.
Identifiers: ClinVar variation 4541109 (VCV004541109.1).